The following is an entry in ClinVar:

ClinVar aggregate classification (germline): Uncertain significance (1 of 4 stars; one submission).

gnomAD v4.1: 1 of 1,606,432 alleles (0.000062%); highest among the groups gnomAD compares: Non-Finnish European, 0.000085%; no homozygotes.

Submission:

Labcorp Genetics (formerly Invitae), Labcorp
Classification: Uncertain significance. Last evaluated: 2022-01-07. Review status: criteria provided, single submitter. Criteria: Invitae Variant Classification Sherloc (09022015). Collection method: clinical testing. Allele origin: germline.
Comment: This variant has not been reported in the literature in individuals affected with CCT2-related conditions. In summary, the available evidence is currently insufficient to determine the role of this variant in disease. Therefore, it has been classified as a Variant of Uncertain Significance. Algorithms developed to predict the effect of missense changes on protein structure and function (SIFT, PolyPhen-2, Align-GVGD) all suggest that this variant is likely to be disruptive. This variant is present in population databases (no rsID available, gnomAD 0.0009%). This sequence change replaces arginine, which is basic and polar, with histidine, which is basic and polar, at codon 322 of the CCT2 protein (p.Arg322His).

NM_006431.3(CCT2):c.965G>A (p.Arg322His)

Gene: CCT2 (chaperonin containing TCP1 subunit 2; plus strand). Cytogenetic location: 12q15.
Variant type: single nucleotide variant.
Coding change: c.965G>A on transcript NM_006431.3 (MANE Select); coding-DNA position 965, G replaced by A.
Protein change: p.Arg322His; replaces arginine 322 with histidine.
Molecular consequence: missense variant.
Genome position (GRCh38, 1-based): chr12:69,593,596, G>A. VCF-style: chr12-69593596-G-A. GRCh37 (hg19) VCF-style: chr12-69987376-G-A.
Other names: c.824G>A, p.Arg275His (NM_001198842.2); short protein forms R275H, R322H.
Identifiers: ClinVar variation 1934664 (VCV001934664.5), dbSNP rs1281280872, ClinGen allele CA385729738.